The following is an entry in ClinVar:

NM_001291303.3(FAT4):c.12071G>A (p.Arg4024Gln)

Gene: FAT4 (FAT atypical cadherin 4; plus strand). Cytogenetic location: 4q28.1.
Variant type: single nucleotide variant.
Coding change: c.12071G>A on transcript NM_001291303.3 (MANE Select); coding-DNA position 12071, G replaced by A.
Protein change: p.Arg4024Gln; replaces arginine 4024 with glutamine.
Molecular consequence: missense variant.
Genome position (GRCh38, 1-based): chr4:125,468,677, G>A. VCF-style: chr4-125468677-G-A. GRCh37 (hg19) VCF-style: chr4-126389832-G-A.
Other names: c.12071G>A, p.Arg4024Gln (NM_001291285.3); c.12065G>A, p.Arg4022Gln (NM_024582.6); short protein forms R4022Q, R4024Q.
Identifiers: ClinVar variation 382920 (VCV000382920.12), dbSNP rs28515675, ClinGen allele CA3074003.

ClinVar aggregate classification (germline): Benign/Likely benign. Review status: criteria provided, multiple submitters, no conflicts (2 of 4 stars). 4 submissions from 4 submitters: Benign (3); Likely benign (1). Last evaluated 2026-01-09.

Allele frequency attached by ClinVar (database versions not stated): gnomAD exomes 0.00070 and 0.00195; ExAC 0.00271; gnomAD 0.00692 and 0.00726; TOPMed 0.00771; ESP Exome Variant Server 0.00869; 1000 Genomes Project 30x 0.01296; 1000 Genomes Project 0.01318.
gnomAD v4.1: 2,140 of 1,614,078 alleles (0.13%); highest among the groups gnomAD compares: African/African-American, 2.4%; 31 homozygotes.

Submissions (4):

Labcorp Genetics (formerly Invitae), Labcorp
Classification: Benign. Last evaluated: 2026-01-09. Review status: criteria provided, single submitter. Criteria: Invitae Variant Classification Sherloc (09022015). Collection method: clinical testing. Allele origin: germline.

ARUP Laboratories, Molecular Genetics and Genomics, ARUP Laboratories
Classification: Likely benign. Last evaluated: 2023-11-22. Review status: criteria provided, single submitter. Criteria: ARUP Molecular Germline Variant Investigation Process 2024. Collection method: clinical testing. Allele origin: germline.

GeneDx
Classification: Benign. Last evaluated: 2016-02-04. Review status: criteria provided, single submitter. Criteria: GeneDx Variant Classification (06012015). Collection method: clinical testing. Allele origin: germline. Affected: yes.
Comment: This variant is considered likely benign or benign based on one or more of the following criteria: it is a conservative change, it occurs at a poorly conserved position in the protein, it is predicted to be benign by multiple in silico algorithms, and/or has population frequency not consistent with disease.

Breakthrough Genomics
Classification: Benign. Review status: criteria provided, single submitter. Criteria: ACMG Guidelines, 2015. Collection method: not provided. Allele origin: germline. Inheritance: Autosomal recessive inheritance. Affected: yes.